The following is an entry in ClinVar:

ClinVar aggregate classification (germline): Benign/Likely benign. Review status: criteria provided, multiple submitters, no conflicts (2 of 4 stars). 4 submissions from 4 submitters: Benign (1); Likely benign (2). 1 of the submissions does not count toward it. Last evaluated 2026-08-01.

Conditions:
ANK3-related disorder. Also called: ANK3-related condition.

Allele frequency attached by ClinVar (database versions not stated): 1000 Genomes Project 0.00160; 1000 Genomes Project 30x 0.00172; TOPMed 0.00219; ESP Exome Variant Server 0.00246.
gnomAD v4.1: 5,059 of 1,614,038 alleles (0.31%); highest among the groups gnomAD compares: Non-Finnish European, 0.37%; 9 homozygotes.

Submissions (4):

CeGaT Center for Human Genetics Tuebingen
Classification: Likely benign. Last evaluated: 2026-08-01. Review status: criteria provided, single submitter. Criteria: CeGaT Center For Human Genetics Tuebingen Variant Classification Criteria Version 2. Collection method: clinical testing. Allele origin: germline. Affected: yes. Observed: 9 variant alleles.
Comment: ANK3: BP4, BP7

Labcorp Genetics (formerly Invitae), Labcorp
Classification: Benign. Last evaluated: 2026-01-15. Review status: criteria provided, single submitter. Criteria: Invitae Variant Classification Sherloc (09022015). Collection method: clinical testing. Allele origin: germline.

Genetic Services Laboratory, University of Chicago
Classification: Likely benign. Last evaluated: 2015-11-17. Review status: criteria provided, single submitter. Criteria: ACMG Guidelines, 2015. Collection method: clinical testing. Allele origin: germline. Affected: no.

PreventionGenetics, part of Exact Sciences
Classification: Benign for ANK3-related condition. Last evaluated: 2021-04-13. Review status: no assertion criteria provided. Collection method: clinical testing. Allele origin: germline. Not counted in ClinVar's aggregate classification.
Comment: This variant is classified as benign based on ACMG/AMP sequence variant interpretation guidelines (Richards et al. 2015 PMID: 25741868, with internal and published modifications).

NM_020987.5(ANK3):c.3105C>G (p.Pro1035=)

Gene: ANK3 (ankyrin 3; minus strand). Cytogenetic location: 10q21.2.
Variant type: single nucleotide variant.
Coding change: c.3105C>G on transcript NM_020987.5 (MANE Select); coding-DNA position 3105, C replaced by G.
Protein change: p.Pro1035=; no amino-acid change (proline 1035 retained).
Molecular consequence: synonymous variant.
Genome position (GRCh38, 1-based): chr10:60,108,898, G>C on the plus strand (C>G on the coding strand, the complement: ANK3 is on the minus strand). VCF-style: chr10-60108898-G-C. GRCh37 (hg19) VCF-style: chr10-61868656-G-C.
Other names: c.507C>G, p.Pro169= (NM_001149.4); c.3087C>G, p.Pro1029= (NM_001204403.2); c.3108C>G, p.Pro1036= (NM_001204404.2); c.3105C>G, p.Pro1035= (NM_001320874.2).
Identifiers: ClinVar variation 210156 (VCV000210156.53), dbSNP rs55680239, ClinGen allele CA205418.